The following is an entry in ClinVar:

NM_002693.3(POLG):c.2391G>T (p.Met797Ile)

Gene: POLG (DNA polymerase gamma, catalytic subunit; minus strand). Cytogenetic location: 15q26.1.
Variant type: single nucleotide variant.
Coding change: c.2391G>T on transcript NM_002693.3 (MANE Select); coding-DNA position 2391, G replaced by T.
Protein change: p.Met797Ile; replaces methionine 797 with isoleucine.
Molecular consequence: missense variant.
Genome position (GRCh38, 1-based): chr15:89,322,777, C>A on the plus strand (G>T on the coding strand, the complement: POLG is on the minus strand). VCF-style: chr15-89322777-C-A. GRCh37 (hg19) VCF-style: chr15-89866008-C-A.
Other names: c.2391G>T, p.Met797Ile (NM_001126131.2); short protein forms M797I.
Identifiers: ClinVar variation 1308463 (VCV001308463.3), dbSNP rs2152062357, ClinGen allele CA393756324.

ClinVar aggregate classification (germline): Conflicting classifications of pathogenicity. Review status: criteria provided, conflicting classifications (1 of 4 stars). 2 submissions from 2 submitters: Likely pathogenic (1); Uncertain significance (1). Last evaluated 2024-07-08.

Conditions:
Mitochondrial DNA depletion syndrome. Also called: mitochondrial DNA depletion. Identifiers: Orphanet 35698, MedGen C0342782, MONDO:0018158.

Submissions (2):

Women's Health and Genetics/Laboratory Corporation of America, LabCorp
Classification: Likely pathogenic for Mitochondrial DNA depletion syndrome. Last evaluated: 2024-07-08. Review status: criteria provided, single submitter. Criteria: LabCorp Variant Classification Summary - May 2015. Collection method: clinical testing. Allele origin: germline.
Comment: Variant summary: POLG c.2391G>T (p.Met797Ile) results in a conservative amino acid change located in the DNA polymerase gamma, palm domain (IPR047580) of the encoded protein sequence. Three of five in-silico tools predict a damaging effect of the variant on protein function. The variant was absent in 251408 control chromosomes. c.2391G>T has been reported in the literature as homozygous genotype in two individuals in a family affected with clinical features of Mitochondrial DNA Depletion Syndrome - POLG Related (Felhi_2018). These data indicate that the variant is likely to be associated with disease. To our knowledge, no experimental evidence demonstrating an impact on protein function has been reported. The following publication have been ascertained in the context of this evaluation (PMID: 30395865). ClinVar contains an entry for this variant (Variation ID: 1308463). Based on the evidence outlined above, the variant was classified as likely pathogenic.

GeneDx
Classification: Uncertain significance. Last evaluated: 2020-04-21. Review status: criteria provided, single submitter. Criteria: GeneDx Variant Classification Process June 2021. Collection method: clinical testing. Allele origin: germline. Affected: yes.
Comment: Not observed in large population cohorts (Lek et al., 2016); In silico analysis supports that this missense variant has a deleterious effect on protein structure/function; This variant is associated with the following publications: (PMID: 30395865)

Literature cited by the submitters: PubMed 30395865 (cited by Women's Health and Genetics/Laboratory Corporation of America, LabCorp).